The following is an entry in ClinVar:

NM_002691.4(POLD1):c.1993A>G (p.Ser665Gly)

Gene: POLD1 (DNA polymerase delta 1, catalytic subunit; plus strand). Cytogenetic location: 19q13.33.
Variant type: single nucleotide variant.
Coding change: c.1993A>G on transcript NM_002691.4 (MANE Select); coding-DNA position 1993, A replaced by G.
Protein change: p.Ser665Gly; replaces serine 665 with glycine.
Molecular consequence: missense variant. On other transcripts: non-coding transcript variant (1).
Genome position (GRCh38, 1-based): chr19:50,409,222, A>G. VCF-style: chr19-50409222-A-G. GRCh37 (hg19) VCF-style: chr19-50912479-A-G.
Other names: c.1993A>G, p.Ser665Gly (NM_001256849.1); c.2071A>G, p.Ser691Gly (NM_001308632.1); c.1993A>G (NM_002691.2); short protein forms S665G, S691G.
Identifiers: ClinVar variation 239264 (VCV000239264.12), dbSNP rs878854531, ClinGen allele CA10583837.

ClinVar aggregate classification (germline): Uncertain significance. Review status: criteria provided, multiple submitters, no conflicts (2 of 4 stars). 3 submissions from 3 submitters: Uncertain significance (3). Last evaluated 2025-10-07.

Conditions:
POLD1-related polyposis and colorectal cancer syndrome (CRCS10). Also called: COLORECTAL CANCER, SUSCEPTIBILITY TO, ON CHROMOSOME 19q; Colorectal cancer 10; Colorectal cancer, susceptibility to, 10. Identifiers: Orphanet 220460, MedGen C2675481, MONDO:0012953, OMIM 612591.
Hereditary cancer-predisposing syndrome. Also called: Hereditary Cancer Syndrome; Neoplastic Syndromes, Hereditary; Hereditary neoplastic syndrome; Tumor predisposition. Identifiers: Orphanet 140162, MedGen C0027672, MeSH D009386, MONDO:0015356.

gnomAD v4.1: 1 of 1,609,206 alleles (0.000062%); highest among the groups gnomAD compares: Middle Eastern, 0.017%; no homozygotes.

Submissions (3):

Ambry Genetics
Classification: Uncertain significance for Hereditary cancer-predisposing syndrome. Last evaluated: 2025-10-07. Review status: criteria provided, single submitter. Criteria: Ambry Variant Classification Scheme 2023. Collection method: clinical testing. Allele origin: germline.
Comment: The p.S665G variant (also known as c.1993A>G), located in coding exon 15 of the POLD1 gene, results from an A to G substitution at nucleotide position 1993. The serine at codon 665 is replaced by glycine, an amino acid with similar properties. This amino acid position is conserved. In addition, this alteration is predicted to be tolerated by in silico analysis. Since supporting evidence is limited at this time, the clinical significance of this alteration remains unclear.

Labcorp Genetics (formerly Invitae), Labcorp
Classification: Uncertain significance for POLD1-related polyposis and colorectal cancer syndrome. Last evaluated: 2024-10-25. Review status: criteria provided, single submitter. Criteria: Invitae Variant Classification Sherloc (09022015). Collection method: clinical testing. Allele origin: germline.
Comment: This sequence change replaces serine, which is neutral and polar, with glycine, which is neutral and non-polar, at codon 665 of the POLD1 protein (p.Ser665Gly). This variant is not present in population databases (gnomAD no frequency). This variant has not been reported in the literature in individuals affected with POLD1-related conditions. ClinVar contains an entry for this variant (Variation ID: 239264). Invitae Evidence Modeling of protein sequence and biophysical properties (such as structural, functional, and spatial information, amino acid conservation, physicochemical variation, residue mobility, and thermodynamic stability) indicates that this missense variant is not expected to disrupt POLD1 protein function with a negative predictive value of 80%. In summary, the available evidence is currently insufficient to determine the role of this variant in disease. Therefore, it has been classified as a Variant of Uncertain Significance.

Blueprint Genetics
Classification: Uncertain significance. Last evaluated: 2024-04-12. Review status: criteria provided, single submitter. Criteria: ACMG Guidelines, 2015. Collection method: clinical testing. Allele origin: germline.